The following is an entry in ClinVar:

ClinVar aggregate classification (germline): Uncertain significance (1 of 4 stars; one submission).

Conditions:
Fanconi anemia (FA). Also called: Fanconi's anemia. Identifiers: Orphanet 84, MedGen C0015625, MeSH D005199, MONDO:0019391.

Submission:

Labcorp Genetics (formerly Invitae), Labcorp
Classification: Uncertain significance for Fanconi anemia. Last evaluated: 2024-10-02. Review status: criteria provided, single submitter. Criteria: Invitae Variant Classification Sherloc (09022015). Collection method: clinical testing. Allele origin: germline.
Comment: This sequence change replaces serine, which is neutral and polar, with arginine, which is basic and polar, at codon 1064 of the FANCM protein (p.Ser1064Arg). This variant is not present in population databases (gnomAD no frequency). This variant has not been reported in the literature in individuals affected with FANCM-related conditions. An algorithm developed to predict the effect of missense changes on protein structure and function (PolyPhen-2) suggests that this variant is likely to be tolerated. In summary, the available evidence is currently insufficient to determine the role of this variant in disease. Therefore, it has been classified as a Variant of Uncertain Significance.

NM_020937.4(FANCM):c.3192T>G (p.Ser1064Arg)

Gene: FANCM (FA complementation group M; plus strand). Cytogenetic location: 14q21.2.
Variant type: single nucleotide variant.
Coding change: c.3192T>G on transcript NM_020937.4 (MANE Select); coding-DNA position 3192, T replaced by G.
Protein change: p.Ser1064Arg; replaces serine 1064 with arginine.
Molecular consequence: missense variant.
Genome position (GRCh38, 1-based): chr14:45,175,946, T>G. VCF-style: chr14-45175946-T-G. GRCh37 (hg19) VCF-style: chr14-45645149-T-G.
Other names: c.3114T>G, p.Ser1038Arg (NM_001308133.2); short protein forms S1038R, S1064R.
Identifiers: ClinVar variation 3722018 (VCV003722018.2).